The following is an entry in ClinVar:

ClinVar aggregate classification (germline): Uncertain significance (1 of 4 stars; one submission).

Submission:

Labcorp Genetics (formerly Invitae), Labcorp
Classification: Uncertain significance. Last evaluated: 2024-02-17. Review status: criteria provided, single submitter. Criteria: Invitae Variant Classification Sherloc (09022015). Collection method: clinical testing. Allele origin: germline.
Comment: This variant, c.1368_1370dup, results in the insertion of 1 amino acid(s) of the TAOK2 protein (p.Arg457dup), but otherwise preserves the integrity of the reading frame. This variant is not present in population databases (gnomAD no frequency). This variant has not been reported in the literature in individuals affected with TAOK2-related conditions. In summary, the available evidence is currently insufficient to determine the role of this variant in disease. Therefore, it has been classified as a Variant of Uncertain Significance.

NM_016151.4(TAOK2):c.1362CCG[4] (p.Arg457_Ala458insArg)

Gene: TAOK2 (TAO kinase 2; plus strand). Cytogenetic location: 16p11.2.
Variant type: Microsatellite.
Coding change: c.1362CCG[4] on transcript NM_016151.4 (MANE Select); four copies in a row of the 3-base unit CCG starting at c.1362; the reference has three copies in a row; one copy, 3 bases duplicated.
Protein change: p.Arg457_Ala458insArg.
Molecular consequence: inframe insertion.
Genome position (GRCh38, 1-based): chr16:29,983,610-29,983,612, CCG duplicated; duplicating any 3 consecutive bases within chr16:29,983,604-29,983,612 gives the same sequence; the position shown is the placement nearest the transcript's 3' end. VCF-style (leftmost placement, unchanged base first): chr16-29983603-C-CCCG. GRCh37 (hg19) VCF-style: chr16-29994924-C-CCCG.
Other names: c.1362CCG[4], p.Arg457_Ala458insArg (NM_001252043.2, NM_004783.4).
Identifiers: ClinVar variation 2762589 (VCV002762589.3), dbSNP rs2543639787, ClinGen allele CA2697555770.